The following is an entry in ClinVar:

NM_007194.4(CHEK2):c.823G>C (p.Glu275Gln)

Gene: CHEK2 (checkpoint kinase 2; minus strand). Cytogenetic location: 22q12.1.
Variant type: single nucleotide variant.
Coding change: c.823G>C on transcript NM_007194.4 (MANE Select); coding-DNA position 823, G replaced by C.
Protein change: p.Glu275Gln; replaces glutamic acid 275 with glutamine.
Molecular consequence: missense variant.
Genome position (GRCh38, 1-based): chr22:28,710,029, C>G on the plus strand (G>C on the coding strand, the complement: CHEK2 is on the minus strand). VCF-style: chr22-28710029-C-G. GRCh37 (hg19) VCF-style: chr22-29106017-C-G.
Other names: c.952G>C, p.Glu318Gln (NM_001005735.3); c.160G>C, p.Glu54Gln (NM_001257387.3); c.622G>C, p.Glu208Gln (NM_001349956.3); c.823G>C, p.Glu275Gln (NM_145862.3); short protein forms E275Q, E208Q, E54Q, E318Q.
Identifiers: ClinVar variation 483357 (VCV000483357.21), dbSNP rs749963436, ClinGen allele CA10167853.

ClinVar aggregate classification (germline): Uncertain significance. Review status: criteria provided, multiple submitters, no conflicts (2 of 4 stars). 4 submissions from 4 submitters: Uncertain significance (4). Last evaluated 2026-01-19.

Conditions:
Hereditary cancer-predisposing syndrome. Also called: Neoplastic Syndromes, Hereditary; Tumor predisposition; Hereditary Cancer Syndrome; Hereditary neoplastic syndrome. Identifiers: Orphanet 140162, MedGen C0027672, MeSH D009386, MONDO:0015356.
Familial cancer of breast. Also called: BREAST CANCER, FAMILIAL; Hereditary breast cancer; hereditary breast carcinoma. Identifiers: Orphanet 227535, MedGen C0346153, MONDO:0016419, OMIM 114480. Disease mechanism: loss of function.

Allele frequency attached by ClinVar (database versions not stated): gnomAD exomes below 0.00001 and 0.00001; TOPMed below 0.00001; gnomAD 0.00001; ExAC 0.00003.
gnomAD v4.1: 6 of 1,555,710 alleles (0.00039%); no homozygotes.

Submissions (4):

Labcorp Genetics (formerly Invitae), Labcorp
Classification: Uncertain significance for Familial cancer of breast. Last evaluated: 2026-01-19. Review status: criteria provided, single submitter. Criteria: Invitae Variant Classification Sherloc (09022015). Collection method: clinical testing. Allele origin: germline.
Comment: This sequence change replaces glutamic acid, which is acidic and polar, with glutamine, which is neutral and polar, at codon 275 of the CHEK2 protein (p.Glu275Gln). This variant is present in population databases (rs749963436, gnomAD 0.01%). This variant has not been reported in the literature in individuals affected with CHEK2-related conditions. ClinVar contains an entry for this variant (Variation ID: 483357). An algorithm developed to predict the effect of missense changes on protein structure and function (PolyPhen-2) suggests that this variant is likely to be tolerated. In summary, the available evidence is currently insufficient to determine the role of this variant in disease. Therefore, it has been classified as a Variant of Uncertain Significance.

Ambry Genetics
Classification: Uncertain significance for Hereditary cancer-predisposing syndrome. Last evaluated: 2025-09-01. Review status: criteria provided, single submitter. Criteria: Ambry Variant Classification Scheme 2023. Collection method: clinical testing. Allele origin: germline.
Comment: The p.E275Q variant (also known as c.823G>C), located in coding exon 6 of the CHEK2 gene, results from a G to C substitution at nucleotide position 823. The glutamic acid at codon 275 is replaced by glutamine, an amino acid with highly similar properties. This alteration was reported as functional in a study assessing CHEK2-complementation through quantification of KAP1 phosphorylation and CHK2 autophosphorylation in human RPE1-CHEK2-knockout cells (Stolarova L et al. Clin Cancer Res, 2023 Aug;29:3037-3050). This amino acid position is highly conserved in available vertebrate species. In addition, the in silico prediction for this alteration is inconclusive. Since supporting evidence is limited at this time, the clinical significance of this alteration remains unclear.

Color Diagnostics, LLC DBA Color Health
Classification: Uncertain significance for Hereditary cancer-predisposing syndrome. Last evaluated: 2023-02-28. Review status: criteria provided, single submitter. Criteria: ACMG Guidelines, 2015. Collection method: clinical testing. Allele origin: germline.
Comment: This missense variant replaces glutamic acid with glutamine at codon 275 of the CHEK2 protein. Computational prediction suggests that this variant may not impact protein structure and function (internally defined REVEL score threshold <= 0.5, PMID: 27666373). To our knowledge, functional studies have not been reported for this variant. This variant has not been reported in individuals affected with hereditary cancer in the literature. This variant has been identified in 3/249986 chromosomes in the general population by the Genome Aggregation Database (gnomAD). The available evidence is insufficient to determine the role of this variant in disease conclusively. Therefore, this variant is classified as a Variant of Uncertain Significance.

GeneDx
Classification: Uncertain significance. Last evaluated: 2023-02-01. Review status: criteria provided, single submitter. Criteria: GeneDx Variant Classification Process June 2021. Collection method: clinical testing. Allele origin: germline. Affected: yes.
Comment: Not observed at significant frequency in large population cohorts (gnomAD); In silico analysis supports that this missense variant does not alter protein structure/function; Has not been previously published as pathogenic or benign to our knowledge; This variant is associated with the following publications: (PMID: 19782031, 22419737)

Literature cited by the submitters: PubMed 37449874 (cited by Ambry Genetics).